The following is an entry in ClinVar:

ClinVar aggregate classification (germline): Uncertain significance (1 of 4 stars; one submission).

gnomAD v4.1: 23 of 1,613,550 alleles (0.0014%); highest among the groups gnomAD compares: African/African-American, 0.0027%; no homozygotes.

Submission:

Ambry Genetics
Classification: Uncertain significance. Last evaluated: 2024-11-18. Review status: criteria provided, single submitter. Criteria: Ambry Variant Classification Scheme 2023. Collection method: clinical testing. Allele origin: germline.
Comment: The p.P1280T variant (also known as c.3838C>A), located in coding exon 14 of the CDK12 gene, results from a C to A substitution at nucleotide position 3838. The proline at codon 1280 is replaced by threonine, an amino acid with highly similar properties. This amino acid position is conserved. In addition, this alteration is predicted to be tolerated by in silico analysis. Based on the available evidence, the clinical significance of this variant remains unclear.

NM_016507.4(CDK12):c.3838C>A (p.Pro1280Thr)

Gene: CDK12 (cyclin dependent kinase 12; plus strand). Cytogenetic location: 17q12.
Variant type: single nucleotide variant.
Coding change: c.3838C>A on transcript NM_016507.4 (MANE Select); coding-DNA position 3838, C replaced by A.
Protein change: p.Pro1280Thr; replaces proline 1280 with threonine.
Molecular consequence: missense variant.
Genome position (GRCh38, 1-based): chr17:39,530,681, C>A. VCF-style: chr17-39530681-C-A. GRCh37 (hg19) VCF-style: chr17-37686934-C-A.
Other names: c.3811C>A, p.Pro1271Thr (NM_015083.4); short protein forms P1271T, P1280T.
Identifiers: ClinVar variation 3489193 (VCV003489193.1).
Genomic context (GRCh38, chr17:39,530,681, plus strand): 5'-CTTCCACCAGAGAAGAGGCCCCCTGAGCCCCCCGGACCTCCACCGCCGCCACCTCCACCC[C>A]CTCTGGTTGAAGGCGATCTTTCCAGCGCCCCCCAGGAGTTGAACCCAGCCGTGACAGCCG-3'
Protein context (NP_057591.2, residues 1270-1290): PGPPPPPPPP[Pro1280Thr]LVEGDLSSAP